The following is an entry in ClinVar:

ClinVar aggregate classification (germline): Pathogenic. Review status: criteria provided, single submitter (1 of 4 stars). 2 submissions from 2 submitters: Pathogenic (1). 1 of the submissions does not count toward it. Last evaluated 2023-12-19.

Conditions:
Sialuria. Also called: Sialic Acid Storage Disease; SIALURIA, FRENCH TYPE. Identifiers: Orphanet 3166, MedGen C0342853, MONDO:0010028, OMIM 269921.
GNE myopathy (NM). Also called: NONAKA DISTAL MYOPATHY; Inclusion body myopathy autosomal recessive; Inclusion body myopathy quadriceps sparing; IBM 2; MYOPATHY, DISTAL, WITH OR WITHOUT RIMMED VACUOLES; INCLUSION BODY MYOPATHY, HEREDITARY, AUTOSOMAL RECESSIVE. Identifiers: Orphanet 602, MedGen C1853926, MONDO:0011603, OMIM 605820.

Submissions (2):

Labcorp Genetics (formerly Invitae), Labcorp
Classification: Pathogenic for Sialuria; GNE myopathy. Last evaluated: 2023-12-19. Review status: criteria provided, single submitter. Criteria: Invitae Variant Classification Sherloc (09022015). Collection method: clinical testing. Allele origin: germline.
Comment: This sequence change affects codon 268 of the GNE mRNA. It is a 'silent' change, meaning that it does not change the encoded amino acid sequence of the GNE protein. This variant is not present in population databases (gnomAD no frequency). This variant has been observed in individuals with autosomal recessive GNE-related myopathy (PMID: 25966635). It has also been observed to segregate with disease in related individuals. ClinVar contains an entry for this variant (Variation ID: 162151). Algorithms developed to predict the effect of sequence changes on RNA splicing suggest that this variant is not likely to affect RNA splicing. For these reasons, this variant has been classified as Pathogenic.

Sema4
Classification: Uncertain significance for Inclusion body myopathy 2. Last evaluated: 2014-11-01. Review status: no assertion criteria provided. Collection method: clinical testing. Allele origin: germline. Inheritance: Autosomal recessive inheritance. Affected: yes. Observed: 6 variant alleles, 6 homozygotes. Not counted in ClinVar's aggregate classification.
Comment: 6 patients from 2 non-Jewish Persian families were homozygous for this variant. Variant co-segregated with disease in the families. Splicing prediction programs predict a novel splice site is created.

Literature cited by the submitters: PubMed 25966635 (cited by Labcorp Genetics (formerly Invitae), Labcorp).

NM_005476.7(GNE):c.711G>A (p.Leu237=)

Gene: GNE (glucosamine (UDP-N-acetyl)-2-epimerase/N-acetylmannosamine kinase; minus strand). Cytogenetic location: 9p13.3.
Variant type: single nucleotide variant.
Coding change: c.711G>A on transcript NM_005476.7 (MANE Select); coding-DNA position 711, G replaced by A.
Protein change: p.Leu237=; no amino-acid change (leucine 237 retained).
Molecular consequence: synonymous variant. On other transcripts: intron variant (2).
Genome position (GRCh38, 1-based): chr9:36,236,890, C>T on the plus strand (G>A on the coding strand, the complement: GNE is on the minus strand). VCF-style: chr9-36236890-C-T. GRCh37 (hg19) VCF-style: chr9-36236887-C-T.
Other names: c.804G>A, p.Leu268= (NM_001128227.3); c.711G>A, p.Leu237= (NM_001190383.3); c.534G>A, p.Leu178= (NM_001190388.2, NM_001374798.1); c.440-2758G>A (NM_001190384.3); c.617-2758G>A (NM_001374797.1).
Identifiers: ClinVar variation 162151 (VCV000162151.6), dbSNP rs724159957, ClinGen allele CA273055.